The following is an entry in ClinVar:

NM_006060.6(IKZF1):c.1339G>C (p.Asp447His)

Gene: IKZF1 (IKAROS family zinc finger 1; plus strand). Cytogenetic location: 7p12.2.
Variant type: single nucleotide variant.
Coding change: c.1339G>C on transcript NM_006060.6 (MANE Select); coding-DNA position 1339, G replaced by C.
Protein change: p.Asp447His; replaces aspartic acid 447 with histidine.
Molecular consequence: missense variant.
Genome position (GRCh38, 1-based): chr7:50,400,406, G>C. VCF-style: chr7-50400406-G-C. GRCh37 (hg19) VCF-style: chr7-50468104-G-C.
Other names: c.1213G>C, p.Asp405His (NM_001220765.3, NM_001291837.2); c.1048G>C, p.Asp350His (NM_001220767.2); c.1078G>C, p.Asp360His (NM_001220768.2, NM_001291838.2); c.922G>C, p.Asp308His (NM_001220770.2); c.910G>C, p.Asp304His (NM_001220771.2, NM_001291841.1); c.952G>C, p.Asp318His (NM_001291839.2); c.649G>C, p.Asp217His (NM_001291840.1); c.880G>C, p.Asp294His (NM_001291842.1); and 3 more; short protein forms D217H, D252H, D262H, D304H, D360H, D447H, D294H, D318H.
Identifiers: ClinVar variation 3701674 (VCV003701674.2).

ClinVar aggregate classification (germline): Uncertain significance (1 of 4 stars; one submission).

Submission:

Labcorp Genetics (formerly Invitae), Labcorp
Classification: Uncertain significance. Last evaluated: 2024-08-21. Review status: criteria provided, single submitter. Criteria: Invitae Variant Classification Sherloc (09022015). Collection method: clinical testing. Allele origin: germline.
Comment: This sequence change replaces aspartic acid, which is acidic and polar, with histidine, which is basic and polar, at codon 447 of the IKZF1 protein (p.Asp447His). This variant is not present in population databases (gnomAD no frequency). This variant has not been reported in the literature in individuals affected with IKZF1-related conditions. An algorithm developed to predict the effect of missense changes on protein structure and function (PolyPhen-2) suggests that this variant is likely to be disruptive. In summary, the available evidence is currently insufficient to determine the role of this variant in disease. Therefore, it has been classified as a Variant of Uncertain Significance.